The following is an entry in ClinVar:

NM_000812.4(GABRB1):c.311T>G (p.Leu104Arg)

Gene: GABRB1 (gamma-aminobutyric acid type A receptor subunit beta1; plus strand). Cytogenetic location: 4p12.
Variant type: single nucleotide variant.
Coding change: c.311T>G on transcript NM_000812.4 (MANE Select); coding-DNA position 311, T replaced by G.
Protein change: p.Leu104Arg; replaces leucine 104 with arginine.
Molecular consequence: missense variant.
Genome position (GRCh38, 1-based): chr4:47,161,319, T>G. VCF-style: chr4-47161319-T-G. GRCh37 (hg19) VCF-style: chr4-47163336-T-G.
Other names: short protein forms L104R.
Identifiers: ClinVar variation 2906819 (VCV002906819.3), dbSNP rs1457443348, ClinGen allele CA356805854.
Genomic context (GRCh38, chr4:47,161,319, plus strand): 5'-TCACCATGTATTTCCAGCAGTCTTGGAAAGACAAAAGGCTTTCTTATTCTGGAATCCCAC[T>G]GAACCTCACCCTAGACAATAGGGTAGCTGACCAACTCTGGGTACCAGACACCTACTTTCT-3'
Protein context (NP_000803.2, residues 94-114): DKRLSYSGIP[Leu104Arg]NLTLDNRVAD

ClinVar aggregate classification (germline): Uncertain significance (1 of 4 stars; one submission).

Submission:

Labcorp Genetics (formerly Invitae), Labcorp
Classification: Uncertain significance. Last evaluated: 2025-05-30. Review status: criteria provided, single submitter. Criteria: Invitae Variant Classification Sherloc (09022015). Collection method: clinical testing. Allele origin: germline.
Comment: This sequence change replaces leucine, which is neutral and non-polar, with arginine, which is basic and polar, at codon 104 of the GABRB1 protein (p.Leu104Arg). This variant is not present in population databases (gnomAD no frequency). This variant has not been reported in the literature in individuals affected with GABRB1-related conditions. ClinVar contains an entry for this variant (Variation ID: 2906819). Invitae Evidence Modeling of protein sequence and biophysical properties (such as structural, functional, and spatial information, amino acid conservation, physicochemical variation, residue mobility, and thermodynamic stability) indicates that this missense variant is not expected to disrupt GABRB1 protein function with a negative predictive value of 80%. In summary, the available evidence is currently insufficient to determine the role of this variant in disease. Therefore, it has been classified as a Variant of Uncertain Significance.